The following is an entry in ClinVar:

NM_001142800.2(EYS):c.7327G>T (p.Glu2443Ter)

Gene: EYS (EGF-like photoreceptor maintenance factor; minus strand). Cytogenetic location: 6q12.
Variant type: single nucleotide variant.
Coding change: c.7327G>T on transcript NM_001142800.2 (MANE Select); coding-DNA position 7327, G replaced by T.
Protein change: p.Glu2443Ter; replaces glutamic acid 2443 with a stop codon.
Molecular consequence: nonsense.
Genome position (GRCh38, 1-based): chr6:63,806,274, C>A on the plus strand (G>T on the coding strand, the complement: EYS is on the minus strand). VCF-style: chr6-63806274-C-A. GRCh37 (hg19) VCF-style: chr6-64516167-C-A.
Other names: c.7327G>T, p.Glu2443Ter (NM_001292009.2); short protein forms E2443*.
Identifiers: ClinVar variation 1799514 (VCV001799514.2), dbSNP rs1459422877, ClinGen allele CA364387782.

ClinVar aggregate classification (germline): Pathogenic. Review status: criteria provided, multiple submitters, no conflicts (2 of 4 stars). 2 submissions from 2 submitters: Pathogenic (2). Last evaluated 2024-05-08.

Conditions:
Retinitis pigmentosa 25 (RP25). Identifiers: Orphanet 791, MedGen C1864446, MONDO:0011272, OMIM 602772.

Submissions (2):

Myriad Genetics, Inc.
Classification: Pathogenic for Retinitis pigmentosa 25. Last evaluated: 2024-05-08. Review status: criteria provided, single submitter. Criteria: Myriad Autosomal Dominant, Autosomal Recessive and X-Linked Classification Criteria (2023). Collection method: clinical testing. Allele origin: unknown.
Comment: NM_001142800.1(EYS):c.7327G>T(E2443*) is expected to be pathogenic in the context of retinitis pigmentosa, EYS-related. This variant is predicted to lead to an abnormal or absent protein product due to the creation of a premature termination codon in EYS, a gene where loss-of-function variants are known to be pathogenic. Please note: this variant was assessed in the context of healthy population screening.

Siriraj Ophthalmic Genetics Research, Faculty of Medicine Siriraj Hospital, Mahidol University
Classification: Pathogenic for Retinitis pigmentosa 25. Last evaluated: 2022-05-01. Review status: criteria provided, single submitter. Criteria: ACMG Guidelines, 2015. Collection method: research. Allele origin: germline. Affected: yes. Observed: 1 compound heterozygote.